The following is an entry in ClinVar:

ClinVar aggregate classification (germline): Likely pathogenic. Review status: reviewed by expert panel (3 of 4 stars). 5 submissions from 5 submitters: Likely pathogenic (1). 4 of the submissions do not count toward it. Last evaluated 2019-06-21.

Conditions:
Hereditary nonpolyposis colorectal neoplasms. Identifiers: MedGen C0009405, MeSH D003123.
Hereditary cancer-predisposing syndrome. Also called: Neoplastic Syndromes, Hereditary; Tumor predisposition; Hereditary Cancer Syndrome; Hereditary neoplastic syndrome. Identifiers: Orphanet 140162, MedGen C0027672, MeSH D009386, MONDO:0015356.
Lynch syndrome. Identifiers: Orphanet 144, MedGen C4552100, MONDO:0005835. Disease mechanism: loss of function.

Submissions (5):

International Society for Gastrointestinal Hereditary Tumours (InSiGHT)
Classification: Likely pathogenic for Lynch syndrome. Last evaluated: 2019-06-21. Review status: reviewed by expert panel. Criteria: Guidelines v2.4. Collection method: curation. Allele origin: germline. Affected: yes.
Comment: Variant in the initiation codon of MSH6

Labcorp Genetics (formerly Invitae), Labcorp
Classification: Pathogenic for Hereditary nonpolyposis colorectal neoplasms. Last evaluated: 2026-01-08. Review status: criteria provided, single submitter. Criteria: Invitae Variant Classification Sherloc (09022015). Collection method: clinical testing. Allele origin: germline. Not counted in ClinVar's aggregate classification.
Comment: This sequence change affects the initiator codon of the MSH6 mRNA. This change may impact translation initiation or efficiency. The next in-frame methionine is located at codon 100. This variant is not present in population databases (gnomAD no frequency). Disruption of the initiator codon has been observed in individuals with clinical features of Lynch syndrome (PMID: 21520333; internal data). ClinVar contains an entry for this variant (Variation ID: 232954). For these reasons, this variant has been classified as Pathogenic.

Color Diagnostics, LLC DBA Color Health
Classification: Likely pathogenic for Hereditary cancer-predisposing syndrome. Last evaluated: 2025-10-03. Review status: criteria provided, single submitter. Criteria: ACMG Guidelines, 2015. Collection method: clinical testing. Allele origin: germline. Not counted in ClinVar's aggregate classification.
Comment: This variant results in the loss of the translation start codon (methionine at codon 1) of the MSH6 gene. This variant is expected to disrupt the expression of the full-length MSH6 protein. To our knowledge, RNA or gene expression studies have not been reported for this variant. This variant has been reported in individuals with a clinical phenotype consistent with Lynch Syndrome (ClinVar: SCV000277232.10, SCV000932389.8). This variant has been identified in 1/1459258 chromosomes in the general population by the Genome Aggregation Database (gnomAD). Based on the available evidence, this variant is classified as Likely Pathogenic.

GeneDx
Classification: Likely pathogenic. Last evaluated: 2025-02-10. Review status: criteria provided, single submitter. Criteria: GeneDx Variant Classification Process June 2021. Collection method: clinical testing. Allele origin: germline. Affected: yes. Not counted in ClinVar's aggregate classification.
Comment: Observed in individuals with a personal or family history consistent with pathogenic variants in this gene (PMID: 28152038); Not observed at significant frequency in large population cohorts (gnomAD); Initiation codon variant in a gene for which loss of function is a known mechanism of disease; This variant is associated with the following publications: (PMID: 28152038)

Ambry Genetics
Classification: Pathogenic for Hereditary cancer-predisposing syndrome. Last evaluated: 2024-10-31. Review status: criteria provided, single submitter. Criteria: Ambry Variant Classification Scheme 2023. Collection method: clinical testing. Allele origin: germline. Not counted in ClinVar's aggregate classification.
Comment: The p.M1? pathogenic mutation (also known as c.3G>T) is located in exon 1 of the MSH6 gene and results from a G to T substitution at nucleotide position 3. This alters the methionine residue at the initiation codon (ATG). This mutation has been identified in multiple individuals meeting Amsterdam criteria and/or whose tumors demonstrated absent MSH6 staining on IHC (Ambry internal data). This variant is considered to be rare based on population cohorts in the Genome Aggregation Database (gnomAD). Sequence variations that modify the initiation codon are expected to result in either loss of translation initiation, N-terminal truncation, or cause a shift in the mRNA reading frame. Based on the supporting evidence, this alteration is interpreted as a disease-causing mutation.

Literature cited by the submitters: PubMed 21520333 (cited by Labcorp Genetics (formerly Invitae), Labcorp).

NM_000179.3(MSH6):c.3G>T (p.Met1Ile)

Gene: MSH6 (mutS homolog 6; plus strand). Cytogenetic location: 2p16.3.
Variant type: single nucleotide variant.
Coding change: c.3G>T on transcript NM_000179.3 (MANE Select); coding-DNA position 3, G replaced by T.
Protein change: p.Met1Ile; changes the start codon (methionine 1).
Molecular consequence: missense variant, initiator codon variant. On other transcripts: 5 prime UTR variant (1).
Genome position (GRCh38, 1-based): chr2:47,783,236, G>T. VCF-style: chr2-47783236-G-T. GRCh37 (hg19) VCF-style: chr2-48010375-G-T.
Other names: c.3G>T, p.Met1Ile (NM_001281492.2); c.-734G>T (NM_001281493.2); short protein forms M1I.
Identifiers: ClinVar variation 232954 (VCV000232954.24), dbSNP rs876660095, ClinGen allele CA10578019.
Genomic context (GRCh38, chr2:47,783,236, plus strand): 5'-ATGCGGTGCTTTTAGGAGCTCCGTCCGACAGAACGGTTGGGCCTTGCCGGCTGTCGGTAT[G>T]TCGCGACAGAGCACCCTGTACAGCTTCTTCCCCAAGTCTCCGGCGCTGAGTGATGCCAAC-3'
Protein context (NP_000170.1, residues 1-11): [Met1Ile]SRQSTLYSFF